The following is an entry in ClinVar:

ClinVar aggregate classification (germline): Uncertain significance. Review status: criteria provided, multiple submitters, no conflicts (2 of 4 stars). 3 submissions from 3 submitters: Uncertain significance (3). Last evaluated 2025-07-15.

Conditions:
TELO2-related intellectual disability-neurodevelopmental disorder. Also called: You-Hoover-Fong syndrome. Identifiers: Orphanet 488642, MedGen C4310778, MONDO:0014848, OMIM 616954.
Inborn genetic diseases. Identifiers: MedGen C0950123, MeSH D030342.

Allele frequency attached by ClinVar (database versions not stated): gnomAD exomes below 0.00001.
gnomAD v4.1: 3 of 1,610,928 alleles (0.00019%); highest among the groups gnomAD compares: South Asian, 0.0022%; no homozygotes.

Submissions (3):

Ambry Genetics
Classification: Uncertain significance for Inborn genetic diseases. Last evaluated: 2025-07-15. Review status: criteria provided, single submitter. Criteria: Ambry Variant Classification Scheme 2023. Collection method: clinical testing. Allele origin: germline.

Dasa
Classification: Uncertain significance for TELO2-related intellectual disability-neurodevelopmental disorder. Last evaluated: 2024-11-20. Review status: criteria provided, single submitter. Criteria: DASA Assertion Criteria. Collection method: clinical testing. Allele origin: germline.
Comment: NM_016111.4(TELO2):c.490C>T (p.Pro164Ser) is a missense variant that results in the substitution of proline with serine. This variant is rare in population databases. Computational prediction algorithms are consistent with a deleterious effect. The currently available literature and clinical evidence are not sufficient to establish a definitive association between this variant and the reported condition. Therefore, this variant is classified as a variant of uncertain significance.

Neuberg Centre For Genomic Medicine, NCGM
Classification: Uncertain significance for TELO2-related intellectual disability-neurodevelopmental disorder. Review status: criteria provided, single submitter. Criteria: ACMG Guidelines, 2015. Collection method: clinical testing. Allele origin: germline. Inheritance: Autosomal recessive inheritance. Affected: yes.
Comment: The missense variant in c.490C>T (p.Pro164Ser) in TELO2 gene has not been reported previously as a pathogenic variant nor as a benign variant, to our knowledge. The p.Pro164Ser variant has been submitted allele frequency in gnomAD exomes and novel (not in any individuals) in 1000 Genomes. This variant has not been reported to the ClinVar database.The amino acid Pro at position 164 is changed to a Ser changing protein sequence and it might alter its composition and physico-chemical properties. The amino acid change p.Pro164Ser in TELO2 is predicted as conserved by GERP++ and PhyloP across 100 vertebrates. For these reasons, this variant has been classified as Uncertain Significance (VUS).

NM_016111.4(TELO2):c.490C>T (p.Pro164Ser)

Gene: TELO2 (telomere maintenance 2; plus strand). Cytogenetic location: 16p13.3.
Variant type: single nucleotide variant.
Coding change: c.490C>T on transcript NM_016111.4 (MANE Select); coding-DNA position 490, C replaced by T.
Protein change: p.Pro164Ser; replaces proline 164 with serine.
Molecular consequence: missense variant.
Genome position (GRCh38, 1-based): chr16:1,495,500, C>T. VCF-style: chr16-1495500-C-T. GRCh37 (hg19) VCF-style: chr16-1545501-C-T.
Other names: c.490C>T, p.Pro164Ser (NM_001351846.2); c.490C>T (NM_016111.3); short protein forms P164S.
Identifiers: ClinVar variation 2585502 (VCV002585502.4), dbSNP rs1463971276, ClinGen allele CA394207360.